The following is an entry in ClinVar:

NM_001161352.2(KCNMA1):c.2326C>T (p.Arg776Trp)

Genes: KCNMA1 (potassium calcium-activated channel subfamily M alpha 1; minus strand), KCNMA1-AS1 (KCNMA1 antisense RNA 1; plus strand). Cytogenetic location: 10q22.3.
Variant type: single nucleotide variant.
Coding change: c.2326C>T on transcript NM_001161352.2 (MANE Select); coding-DNA position 2326, C replaced by T.
Protein change: p.Arg776Trp; replaces arginine 776 with tryptophan.
Molecular consequence: missense variant.
Genome position (GRCh38, 1-based): chr10:76,970,008, G>A on the plus strand (C>T on the coding strand, the complement: KCNMA1 is on the minus strand). VCF-style: chr10-76970008-G-A. GRCh37 (hg19) VCF-style: chr10-78729766-G-A.
Other names: c.2164C>T, p.Arg722Trp (NM_001014797.3, NM_001322835.2, NM_001322837.2); c.2152C>T, p.Arg718Trp (NM_001161353.2, NM_001322832.2, NM_001410940.1 and 1 more transcripts); c.2002C>T, p.Arg668Trp (NM_001271518.2); c.2161C>T, p.Arg721Trp (NM_001271519.2, NM_001322829.2, NM_001322836.2); c.2173C>T, p.Arg725Trp (NM_001322830.2); c.1699C>T, p.Arg567Trp (NM_001322838.2); short protein forms R567W, R668W, R718W, R721W, R722W, R725W, R776W.
Identifiers: ClinVar variation 2413015 (VCV002413015.4), dbSNP rs757255349, ClinGen allele CA377408376.
Genomic context (GRCh38, chr10:76,970,008, plus strand): 5'-CGTGGGCAACCAGCCCCTCTCCTTACCTCATCAGCTTAGGCGAGGTGTTGGGTGAGTTCC[G>A]CATGCCTCCATTCCGTTGCTTTTTTTTTGGTGATAGTGTTGACGGCTGCTCATCTTCAAC-3'
Protein context (NP_001154824.1, residues 766-786): PKKKQRNGGM[Arg776Trp]NSPNTSPKLM

ClinVar aggregate classification (germline): Uncertain significance. Review status: criteria provided, multiple submitters, no conflicts (2 of 4 stars). 2 submissions from 2 submitters: Uncertain significance (2). Last evaluated 2026-06-04.

Conditions:
Inborn genetic diseases. Identifiers: MedGen C0950123, MeSH D030342.

gnomAD v4.1: 9 of 1,613,802 alleles (0.00056%); highest among the groups gnomAD compares: South Asian, 0.0022%; no homozygotes.

Submissions (2):

Ambry Genetics
Classification: Uncertain significance for Inborn genetic diseases. Last evaluated: 2026-06-04. Review status: criteria provided, single submitter. Criteria: Ambry Variant Classification Scheme 2023. Collection method: clinical testing. Allele origin: germline.
Comment: The c.2152C>T (p.R718W) alteration is located in exon 19 (coding exon 19) of the KCNMA1 gene. This alteration results from a C to T substitution at nucleotide position 2152, causing the arginine (R) at amino acid position 718 to be replaced by a tryptophan (W). Based on data from gnomAD, the T allele has an overall frequency of <0.001% (1/251454) total alleles studied. The highest observed frequency was 0.001% (1/113740) of European (non-Finnish) alleles. Based on insufficient or conflicting evidence, the clinical significance of this alteration remains unclear.

GeneDx
Classification: Uncertain significance. Last evaluated: 2022-07-27. Review status: criteria provided, single submitter. Criteria: GeneDx Variant Classification Process June 2021. Collection method: clinical testing. Allele origin: germline. Affected: yes.
Comment: Not observed at significant frequency in large population cohorts (gnomAD); In silico analysis supports that this missense variant has a deleterious effect on protein structure/function; Has not been previously published as pathogenic or benign to our knowledge